The following is an entry in ClinVar:

ClinVar aggregate classification (germline): Pathogenic (1 of 4 stars; one submission).

Conditions:
Retinoblastoma (RB1). Also called: RETINOBLASTOMA, SOMATIC. Identifiers: Orphanet 790, MedGen C0035335, MeSH D012175, MONDO:0008380, OMIM 180200, HP:0009919. Disease mechanism: loss of function. Inheritance: Both sporadic and heritable forms are tested..

Submission:

Genetic Diagnostic Laboratory, University of Pennsylvania School of Medicine
Classification: Pathogenic for Retinoblastoma. Last evaluated: 2024-05-20. Review status: criteria provided, single submitter. Criteria: ACMG Guidelines, 2015. Collection method: clinical testing. Allele origin: germline. Affected: yes. Observed: 1 variant allele.
Comment: Case and Pedigree Information: BILATERAL CASES:1, UNILATERAL CASES:0, TOTAL CASES:1, PEDIGREES:1. ACMG Codes Applied:PVS1, PM2

NM_000321.3(RB1):c.1710_1719del (p.Phe570fs)

Gene: RB1 (RB transcriptional corepressor 1; plus strand). Cytogenetic location: 13q14.2.
Variant type: Deletion.
Coding change: c.1710_1719del on transcript NM_000321.3 (MANE Select); coding-DNA positions 1710 to 1719, 10 bases deleted (TGATCTTATT; older notation c.1710_1719delTGATCTTATT).
Protein change: p.Phe570fs; shifts the reading frame from phenylalanine 570.
Molecular consequence: frameshift variant.
Genome position (GRCh38, 1-based): chr13:48,453,007-48,453,016, TGATCTTATT deleted; deleting any 10 consecutive bases within chr13:48,453,002-48,453,016 gives the same sequence; the c. name uses the placement nearest the transcript's 3' end. VCF-style (leftmost placement, unchanged base first): chr13-48453001-TTTATTTGATC-T. GRCh37 (hg19) VCF-style: chr13-49027137-TTTATTTGATC-T.
Other names: c.1710_1719del, p.Phe570fs (NM_001407165.1); c.1710_1719del10 (NM_000321.3); short protein forms F570fs.
Identifiers: ClinVar variation 3237024 (VCV003237024.1), dbSNP rs2542360590.
Genomic context (GRCh38, chr13:48,453,001, plus strand): 5'-TGGGAAAATTATGCTTACTAATGTGGTTTTAATTTCATCATGTTTCATATAGGATTCACC[TTTATTTGATC>T]TTATTAAACAATCAAAGGACCGAGAAGGACCAACTGATCACCTTGAATCTGCTTGTCCTC-3'